The following is an entry in ClinVar:

NM_201384.3(PLEC):c.4145C>T (p.Ala1382Val)

Gene: PLEC (plectin; minus strand). Cytogenetic location: 8q24.3.
Variant type: single nucleotide variant.
Coding change: c.4145C>T on transcript NM_201384.3 (MANE Select); coding-DNA position 4145, C replaced by T.
Protein change: p.Ala1382Val; replaces alanine 1382 with valine.
Molecular consequence: missense variant.
Genome position (GRCh38, 1-based): chr8:143,925,784, G>A on the plus strand (C>T on the coding strand, the complement: PLEC is on the minus strand). VCF-style: chr8-143925784-G-A. GRCh37 (hg19) VCF-style: chr8-144999952-G-A.
Other names: c.4226C>T, p.Ala1409Val (NM_000445.5); c.4103C>T, p.Ala1368Val (NM_201378.4); c.4079C>T, p.Ala1360Val (NM_201379.3); c.4556C>T, p.Ala1519Val (NM_201380.4); c.4049C>T, p.Ala1350Val (NM_201381.3); c.4145C>T, p.Ala1382Val (NM_201382.4); c.4157C>T, p.Ala1386Val (NM_201383.3); c.4226C>T (NM_000445.3); short protein forms A1368V, A1382V, A1409V, A1350V, A1360V, A1386V, A1519V.
Identifiers: ClinVar variation 936142 (VCV000936142.10), dbSNP rs1367834557, ClinGen allele CA372560924.

ClinVar aggregate classification (germline): Uncertain significance. Review status: criteria provided, multiple submitters, no conflicts (2 of 4 stars). 3 submissions from 3 submitters: Uncertain significance (3). Last evaluated 2025-08-25.

Conditions:
Epidermolysis bullosa simplex 5B, with muscular dystrophy (EBS5B). Also called: EPIDERMOLYSIS BULLOSA SIMPLEX AND LIMB-GIRDLE MUSCULAR DYSTROPHY; Epidermolysis bullosa simplex with muscular dystrophy. Identifiers: Orphanet 257, MedGen C2931072, MONDO:0009181, OMIM 226670.
Epidermolysis bullosa simplex, Ogna type (EBS5A). Also called: Pidermolysis bullosa simplex 5A, Ogna type; EPIDERMOLYSIS BULLOSA SIMPLEX 5A, OGNA TYPE. Identifiers: Orphanet 79401, MedGen C0432317, MONDO:0007555, OMIM 131950.
Epidermolysis bullosa simplex 5C, with pyloric atresia (EBS5C). Also called: Epidermolysis bullosa simplex with pyloric atresia; PLEC-Related Epidermolysis Bullosa with Pyloric Atresia; PLEC1-Related Epidermolysis Bullosa with Pyloric Atresia. Identifiers: Orphanet 158684, MedGen C2677349, MONDO:0012807, OMIM 612138.
Epidermolysis bullosa simplex with nail dystrophy (EBS5D). Identifiers: MedGen C4225309, MONDO:0014661, OMIM 616487.
Autosomal recessive limb-girdle muscular dystrophy type 2Q (LGMDR17). Also called: MUSCULAR DYSTROPHY, LIMB-GIRDLE, AUTOSOMAL RECESSIVE 17. Identifiers: Orphanet 254361, MedGen C3150989, MONDO:0013390, OMIM 613723.
Inborn genetic diseases. Identifiers: MedGen C0950123, MeSH D030342.

Allele frequency attached by ClinVar (database versions not stated): gnomAD exomes 0.00001; TOPMed 0.00001; gnomAD 0.00002.
gnomAD v4.1: 25 of 1,583,644 alleles (0.0016%); highest among the groups gnomAD compares: Non-Finnish European, 0.002%; no homozygotes.

Submissions (3):

Labcorp Genetics (formerly Invitae), Labcorp
Classification: Uncertain significance for Autosomal recessive limb-girdle muscular dystrophy type 2Q; Epidermolysis bullosa simplex, Ogna type; Epidermolysis bullosa simplex with nail dystrophy; Epidermolysis bullosa simplex 5C, with pyloric atresia; Epidermolysis bullosa simplex 5B, with muscular dystrophy. Last evaluated: 2025-08-25. Review status: criteria provided, single submitter. Criteria: Invitae Variant Classification Sherloc (09022015). Collection method: clinical testing. Allele origin: germline.
Comment: This sequence change replaces alanine, which is neutral and non-polar, with valine, which is neutral and non-polar, at codon 1409 of the PLEC protein (p.Ala1409Val). This variant is present in population databases (no rsID available, gnomAD 0.01%). This variant has not been reported in the literature in individuals affected with PLEC-related conditions. ClinVar contains an entry for this variant (Variation ID: 936142). Experimental studies and prediction algorithms are not available or were not evaluated, and the functional significance of this variant is currently unknown. Algorithms developed to predict the effect of sequence changes on RNA splicing suggest that this variant may create or strengthen a splice site. In summary, the available evidence is currently insufficient to determine the role of this variant in disease. Therefore, it has been classified as a Variant of Uncertain Significance.

Ambry Genetics
Classification: Uncertain significance for Inborn genetic diseases. Last evaluated: 2022-09-14. Review status: criteria provided, single submitter. Criteria: Ambry Variant Classification Scheme 2023. Collection method: clinical testing. Allele origin: germline.

Revvity Omics, Revvity
Classification: Uncertain significance. Last evaluated: 2019-10-10. Review status: criteria provided, single submitter. Criteria: ACMG Guidelines, 2015. Collection method: clinical testing. Allele origin: germline.